The following is an entry in ClinVar:

NM_022051.3(EGLN1):c.1262T>C (p.Val421Ala)

Gene: EGLN1 (egl-9 family hypoxia inducible factor 1; minus strand). Cytogenetic location: 1q42.2.
Variant type: single nucleotide variant.
Coding change: c.1262T>C on transcript NM_022051.3 (MANE Select); coding-DNA position 1262, T replaced by C.
Protein change: p.Val421Ala; replaces valine 421 with alanine.
Molecular consequence: missense variant. On other transcripts: 3 prime UTR variant (2).
Genome position (GRCh38, 1-based): chr1:231,366,430, A>G on the plus strand (T>C on the coding strand, the complement: EGLN1 is on the minus strand). VCF-style: chr1-231366430-A-G. GRCh37 (hg19) VCF-style: chr1-231502176-A-G.
Other names: c.*42T>C (NM_001377260.1); c.*87T>C (NM_001377261.1); short protein forms V421A.
Identifiers: ClinVar variation 1763477 (VCV001763477.2), dbSNP rs2527215574, ClinGen allele CA345238300.

ClinVar aggregate classification (germline): Uncertain significance (1 of 4 stars; one submission).

Submission:

Ambry Genetics
Classification: Uncertain significance. Last evaluated: 2022-10-03. Review status: criteria provided, single submitter. Criteria: Ambry Variant Classification Scheme 2023. Collection method: clinical testing. Allele origin: germline.
Comment: The p.V421A variant (also known as c.1262T>C), located in coding exon 5 of the EGLN1 gene, results from a T to C substitution at nucleotide position 1262. The valine at codon 421 is replaced by alanine, an amino acid with similar properties. This amino acid position is conserved. In addition, this alteration is predicted to be tolerated by in silico analysis. Since supporting evidence is limited at this time, the clinical significance of this alteration remains unclear.